The following is an entry in ClinVar:

NM_001271.4(CHD2):c.5344C>T (p.Pro1782Ser)

Gene: CHD2 (chromodomain helicase DNA binding protein 2; plus strand). Cytogenetic location: 15q26.1.
Variant type: single nucleotide variant.
Coding change: c.5344C>T on transcript NM_001271.4 (MANE Select); coding-DNA position 5344, C replaced by T.
Protein change: p.Pro1782Ser; replaces proline 1782 with serine.
Molecular consequence: missense variant.
Genome position (GRCh38, 1-based): chr15:93,024,562, C>T. VCF-style: chr15-93024562-C-T. GRCh37 (hg19) VCF-style: chr15-93567792-C-T.
Other names: short protein forms P1782S.
Identifiers: ClinVar variation 2736337 (VCV002736337.3), dbSNP rs368472482, ClinGen allele CA274889643.

ClinVar aggregate classification (germline): Uncertain significance (1 of 4 stars; one submission).

Conditions:
Developmental and epileptic encephalopathy 94 (DEE94). Also called: Epileptic encephalopathy, childhood-onset; CHD2-Related Neurodevelopmental Disorders. Identifiers: Orphanet 1942, Orphanet 2382, MedGen C3809278, MONDO:0014150, OMIM 615369.

Allele frequency attached by ClinVar (database versions not stated): gnomAD 0.00002; ESP Exome Variant Server 0.00008.
gnomAD v4.1: 5 of 1,614,088 alleles (0.00031%); highest among the groups gnomAD compares: African/African-American, 0.0067%; no homozygotes.

Submission:

Labcorp Genetics (formerly Invitae), Labcorp
Classification: Uncertain significance for Developmental and epileptic encephalopathy 94. Last evaluated: 2023-04-04. Review status: criteria provided, single submitter. Criteria: Invitae Variant Classification Sherloc (09022015). Collection method: clinical testing. Allele origin: germline.
Comment: This sequence change replaces proline, which is neutral and non-polar, with serine, which is neutral and polar, at codon 1782 of the CHD2 protein (p.Pro1782Ser). This variant is present in population databases (rs368472482, gnomAD 0.008%). This variant has not been reported in the literature in individuals affected with CHD2-related conditions. Advanced modeling of protein sequence and biophysical properties (such as structural, functional, and spatial information, amino acid conservation, physicochemical variation, residue mobility, and thermodynamic stability) performed at Invitae indicates that this missense variant is not expected to disrupt CHD2 protein function. In summary, the available evidence is currently insufficient to determine the role of this variant in disease. Therefore, it has been classified as a Variant of Uncertain Significance.